The following is an entry in ClinVar:

ClinVar aggregate classification (germline): Conflicting classifications of pathogenicity. Review status: criteria provided, conflicting classifications (1 of 4 stars). 3 submissions from 3 submitters: Uncertain significance (1); Likely benign (2). Last evaluated 2025-07-08.

Conditions:
Inborn genetic diseases. Identifiers: MedGen C0950123, MeSH D030342.
Charcot-Marie-Tooth disease dominant intermediate B (CMTDIB). Also called: CHARCOT-MARIE-TOOTH NEUROPATHY, DOMINANT INTERMEDIATE B; Charcot-Marie-Tooth disease dominant intermediate 1; CMT DI1; Charcot-Marie-Tooth disease dominant intermediate I. Identifiers: Orphanet 100044, Orphanet 228179, MedGen C1847902, MONDO:0011674, OMIM 606482.

Allele frequency attached by ClinVar (database versions not stated): gnomAD exomes 0.00003 and 0.00006; TOPMed 0.00003; gnomAD 0.00005 and 0.00006; ExAC 0.00007; 1000 Genomes Project 30x 0.00031; 1000 Genomes Project 0.00040.
gnomAD v4.1: 48 of 1,613,858 alleles (0.003%); highest among the groups gnomAD compares: East Asian, 0.074%; no homozygotes.

Submissions (3):

ARUP Laboratories, Molecular Genetics and Genomics, ARUP Laboratories
Classification: Uncertain significance. Last evaluated: 2025-07-08. Review status: criteria provided, single submitter. Criteria: ARUP Molecular Germline Variant Investigation Process 2024. Collection method: clinical testing. Allele origin: germline.
Comment: The DNM2 c.2312C>T; p.Pro771Leu variant (rs202060910), to our knowledge, is not reported in the medical literature but is reported in ClinVar (Variation ID: 698183). This variant is found in the East Asian population with an allele frequency of 0.09% (18/19,950 alleles) in the Genome Aggregation Database (v2.1.1). Computational analyses are uncertain whether this variant is neutral or deleterious (REVEL: 0.532). Due to limited information, the clinical significance of this variant is uncertain at this time.

Labcorp Genetics (formerly Invitae), Labcorp
Classification: Likely benign for Charcot-Marie-Tooth disease dominant intermediate B. Last evaluated: 2024-09-24. Review status: criteria provided, single submitter. Criteria: Invitae Variant Classification Sherloc (09022015). Collection method: clinical testing. Allele origin: germline.

Ambry Genetics
Classification: Likely benign for Inborn genetic diseases. Last evaluated: 2022-07-11. Review status: criteria provided, single submitter. Criteria: Ambry Variant Classification Scheme 2023. Collection method: clinical testing. Allele origin: germline.

NM_001005361.3(DNM2):c.2312C>T (p.Pro771Leu)

Gene: DNM2 (dynamin 2; plus strand). Cytogenetic location: 19p13.2.
Variant type: single nucleotide variant.
Coding change: c.2312C>T on transcript NM_001005361.3 (MANE Select); coding-DNA position 2312, C replaced by T.
Protein change: p.Pro771Leu; replaces proline 771 with leucine.
Molecular consequence: missense variant.
Genome position (GRCh38, 1-based): chr19:10,830,147, C>T. VCF-style: chr19-10830147-C-T. GRCh37 (hg19) VCF-style: chr19-10940823-C-T.
Other names: c.2312C>T, p.Pro771Leu (NM_001005360.3, NM_001190716.2); c.2300C>T, p.Pro767Leu (NM_001005362.3, NM_004945.4); short protein forms P767L, P771L.
Identifiers: ClinVar variation 698183 (VCV000698183.14), dbSNP rs202060910, ClinGen allele CA9201588.